The following is an entry in ClinVar:

NM_000051.4(ATM):c.7459C>T (p.Leu2487Phe)

Genes: ATM (ATM serine/threonine kinase; plus strand), C11orf65 (chromosome 11 open reading frame 65; minus strand). Cytogenetic location: 11q22.3.
Variant type: single nucleotide variant.
Coding change: c.7459C>T on transcript NM_000051.4 (MANE Select); coding-DNA position 7459, C replaced by T.
Protein change: p.Leu2487Phe; replaces leucine 2487 with phenylalanine.
Molecular consequence: missense variant. On other transcripts: intron variant (2).
Genome position (GRCh38, 1-based): chr11:108,330,365, C>T. VCF-style: chr11-108330365-C-T. GRCh37 (hg19) VCF-style: chr11-108201092-C-T.
Other names: c.7459C>T, p.Leu2487Phe (NM_001351834.2); c.641-21294G>A (NM_001330368.2); c.*38+4855G>A (NM_001351110.2); short protein forms L2487F.
Identifiers: ClinVar variation 4747261 (VCV004747261.1).

ClinVar aggregate classification (germline): Uncertain significance (1 of 4 stars; one submission).

Conditions:
Ataxia-telangiectasia syndrome (AT). Also called: LOUIS-BAR SYNDROME; Cerebello-oculocutaneous telangiectasia; Immunodeficiency with ataxia telangiectasia; Ataxia-telangiectasia, complementation group D; AT, COMPLEMENTATION GROUP C; ATAXIA-TELANGIECTASIA, COMPLEMENTATION GROUP A. Identifiers: Orphanet 100, MedGen C0004135, MONDO:0008840, OMIM 208900.

gnomAD v4.1: 1 of 1,614,048 alleles (0.000062%); highest among the groups gnomAD compares: South Asian, 0.0011%; no homozygotes.

Submission:

Labcorp Genetics (formerly Invitae), Labcorp
Classification: Uncertain significance for Ataxia-telangiectasia syndrome. Last evaluated: 2026-02-02. Review status: criteria provided, single submitter. Criteria: Invitae Variant Classification Sherloc (09022015). Collection method: clinical testing. Allele origin: germline.
Comment: This sequence change replaces leucine, which is neutral and non-polar, with phenylalanine, which is neutral and non-polar, at codon 2487 of the ATM protein (p.Leu2487Phe). This variant is not present in population databases (gnomAD no frequency). This variant has not been reported in the literature in individuals affected with ATM-related conditions. Invitae Evidence Modeling of protein sequence and biophysical properties (such as structural, functional, and spatial information, amino acid conservation, physicochemical variation, residue mobility, and thermodynamic stability) indicates that this missense variant is not expected to disrupt ATM protein function with a negative predictive value of 95%. In summary, the available evidence is currently insufficient to determine the role of this variant in disease. Therefore, it has been classified as a Variant of Uncertain Significance.